The following is an entry in ClinVar:

ClinVar aggregate classification (germline): Benign/Likely benign. Review status: criteria provided, multiple submitters, no conflicts (2 of 4 stars). 7 submissions from 7 submitters: Benign (2); Likely benign (5). Last evaluated 2026-01-29.

Conditions:
Leukocyte adhesion deficiency 1 (LAD1). Also called: LEUKOCYTE ADHESION DEFICIENCY, TYPE I; LAD 1; Lymphocyte function-associated antigen 1 immunodeficiency; LFA 1 immunodeficiency. Identifiers: Orphanet 2968, Orphanet 99842, MedGen C0398738, MONDO:0007293, OMIM 116920.

Allele frequency attached by ClinVar (database versions not stated): gnomAD 0.00294 and 0.00317; 1000 Genomes Project 0.00300; 1000 Genomes Project 30x 0.00312; TOPMed 0.00350; ESP Exome Variant Server 0.00369.
gnomAD v4.1: 975 of 1,614,086 alleles (0.06%); highest among the groups gnomAD compares: African/African-American, 1.1%; 4 homozygotes.

Submissions (7):

Women's Health and Genetics/Laboratory Corporation of America, LabCorp
Classification: Likely benign. Last evaluated: 2026-01-29. Review status: criteria provided, single submitter. Criteria: LabCorp Variant Classification Summary - May 2015. Collection method: clinical testing. Allele origin: germline.
Comment: Variant summary: ITGB2 c.229G>A (p.Asp77Asn) results in a conservative amino acid change in the encoded protein sequence. Algorithms developed to predict the effect of missense changes on protein structure and function all suggest that this variant is likely to be tolerated. The variant allele was found at a frequency of 0.00078 in 251426 control chromosomes, predominantly at a frequency of 0.011 within the African or African-American subpopulation in the gnomAD database. The observed variant frequency within African or African-American control individuals in the gnomAD database exceeds the estimated maximal expected allele frequency for disease-causing variants in ITGB2. To our knowledge, no occurrence of c.229G>A in individuals affected with ITGB2-related conditions and no experimental evidence demonstrating its impact on protein function have been reported. ClinVar contains an entry for this variant (Variation ID: 381672). Based on the evidence outlined above, the variant was classified as likely benign.

Labcorp Genetics (formerly Invitae), Labcorp
Classification: Benign for Leukocyte adhesion deficiency 1. Last evaluated: 2026-01-27. Review status: criteria provided, single submitter. Criteria: Invitae Variant Classification Sherloc (09022015). Collection method: clinical testing. Allele origin: germline.

Mayo Clinic Laboratories, Mayo Clinic
Classification: Likely benign. Last evaluated: 2025-04-24. Review status: criteria provided, single submitter. Criteria: ACMG Guidelines, 2015. Collection method: clinical testing. Allele origin: germline. Observed: 1 variant allele.
Comment: BS1, BP4_moderate

Blueprint Genetics
Classification: Likely benign. Last evaluated: 2024-11-25. Review status: criteria provided, single submitter. Criteria: ACMG Guidelines, 2015. Collection method: clinical testing. Allele origin: germline.

Illumina Laboratory Services, Illumina
Classification: Benign for Leukocyte adhesion deficiency 1. Last evaluated: 2017-04-28. Review status: criteria provided, single submitter. Criteria: ICSL Variant Classification Criteria 13 December 2019. Collection method: clinical testing. Allele origin: germline.
Comment: This variant was observed as part of a predisposition screen in an ostensibly healthy population. A literature search was performed for the gene, cDNA change, and amino acid change (where applicable). Publications were found based on this search. The evidence from the literature, in combination with allele frequency data from public databases where available, was sufficient to rule this variant out of causing disease. Therefore, this variant is classified as benign.

GeneDx
Classification: Likely benign. Last evaluated: 2016-02-26. Review status: criteria provided, single submitter. Criteria: GeneDx Variant Classification (06012015). Collection method: clinical testing. Allele origin: germline. Affected: yes.
Comment: This variant is considered likely benign or benign based on one or more of the following criteria: it is a conservative change, it occurs at a poorly conserved position in the protein, it is predicted to be benign by multiple in silico algorithms, and/or has population frequency not consistent with disease.

Breakthrough Genomics
Classification: Likely benign. Review status: criteria provided, single submitter. Criteria: ACMG Guidelines, 2015. Collection method: not provided. Allele origin: germline. Inheritance: Autosomal recessive inheritance. Affected: yes.

Literature cited by the submitters: PubMed 18675632 (cited by Mayo Clinic Laboratories, Mayo Clinic and Illumina Laboratory Services, Illumina); PubMed 22134107 (cited by Mayo Clinic Laboratories, Mayo Clinic and Illumina Laboratory Services, Illumina).

NM_000211.5(ITGB2):c.229G>A (p.Asp77Asn)

Gene: ITGB2 (integrin subunit beta 2; minus strand). Cytogenetic location: 21q22.3.
Variant type: single nucleotide variant.
Coding change: c.229G>A on transcript NM_000211.5 (MANE Select); coding-DNA position 229, G replaced by A.
Protein change: p.Asp77Asn; replaces aspartic acid 77 with asparagine.
Molecular consequence: missense variant.
Genome position (GRCh38, 1-based): chr21:44,907,014, C>T on the plus strand (G>A on the coding strand, the complement: ITGB2 is on the minus strand). VCF-style: chr21-44907014-C-T. GRCh37 (hg19) VCF-style: chr21-46326929-C-T.
Other names: p.Asp77Asn; c.229G>A (LRG_76t1); c.229G>A, p.Asp77Asn (NM_001127491.3); c.22G>A, p.Asp8Asn (NM_001303238.2); short protein forms D77N, D8N.
Identifiers: ClinVar variation 381672 (VCV000381672.19), dbSNP rs141799330, ClinGen allele CA10063284.